The following is an entry in ClinVar:

NM_020381.4(PDSS2):c.973C>T (p.Leu325Phe)

Gene: PDSS2 (decaprenyl diphosphate synthase subunit 2; minus strand). Cytogenetic location: 6q21.
Variant type: single nucleotide variant.
Coding change: c.973C>T on transcript NM_020381.4 (MANE Select); coding-DNA position 973, C replaced by T.
Protein change: p.Leu325Phe; replaces leucine 325 with phenylalanine.
Molecular consequence: missense variant.
Genome position (GRCh38, 1-based): chr6:107,210,474, G>A on the plus strand (C>T on the coding strand, the complement: PDSS2 is on the minus strand). VCF-style: chr6-107210474-G-A. GRCh37 (hg19) VCF-style: chr6-107531678-G-A.
Other names: short protein forms L325F.
Identifiers: ClinVar variation 3378292 (VCV003378292.2).

ClinVar aggregate classification (germline): Uncertain significance (1 of 4 stars; one submission).

gnomAD v4.1: 1 of 1,609,868 alleles (0.000062%); highest among the groups gnomAD compares: Admixed American, 0.0017%; no homozygotes.

Submission:

GeneDx
Classification: Uncertain significance. Last evaluated: 2025-01-13. Review status: criteria provided, single submitter. Criteria: GeneDx Variant Classification Process June 2021. Collection method: clinical testing. Allele origin: germline. Affected: yes.
Comment: Not observed at significant frequency in large population cohorts (gnomAD); In silico analysis supports that this missense variant has a deleterious effect on protein structure/function; Has not been previously published as pathogenic or benign to our knowledge